The following is an entry in ClinVar:

ClinVar aggregate classification (germline): Likely benign. Review status: criteria provided, multiple submitters, no conflicts (2 of 4 stars). 2 submissions from 2 submitters: Likely benign (2). Last evaluated 2025-12-22.

Allele frequency attached by ClinVar (database versions not stated): gnomAD 0.00002; TOPMed 0.00002; gnomAD exomes 0.00006; ExAC 0.00010.
gnomAD v4.1: 52 of 1,576,698 alleles (0.0033%); highest among the groups gnomAD compares: South Asian, 0.016%; no homozygotes.

Submissions (2):

Labcorp Genetics (formerly Invitae), Labcorp
Classification: Likely benign. Last evaluated: 2025-12-22. Review status: criteria provided, single submitter. Criteria: Invitae Variant Classification Sherloc (09022015). Collection method: clinical testing. Allele origin: germline.

GeneDx
Classification: Likely benign. Last evaluated: 2017-10-12. Review status: criteria provided, single submitter. Criteria: GeneDx Variant Classification (06012015). Collection method: clinical testing. Allele origin: germline. Affected: yes.
Comment: This variant is considered likely benign or benign based on one or more of the following criteria: it is a conservative change, it occurs at a poorly conserved position in the protein, it is predicted to be benign by multiple in silico algorithms, and/or has population frequency not consistent with disease.

NM_032620.4(GTPBP3):c.808+13C>T

Gene: GTPBP3 (GTP binding protein 3, mitochondrial; plus strand). Cytogenetic location: 19p13.11.
Variant type: single nucleotide variant.
Coding change: c.808+13C>T on transcript NM_032620.4 (MANE Select); 13 bases into the intron after coding-DNA position 808, C replaced by T.
Molecular consequence: intron variant.
Genome position (GRCh38, 1-based): chr19:17,339,279, C>T. VCF-style: chr19-17339279-C-T. GRCh37 (hg19) VCF-style: chr19-17450088-C-T.
Other names: c.874+13C>T (NM_001195422.1); c.904+13C>T (NM_133644.4); c.808+13C>T (NM_001128855.3).
Identifiers: ClinVar variation 512301 (VCV000512301.8), dbSNP rs763466746, ClinGen allele CA9293515.